The following is an entry in ClinVar:

NM_000051.4(ATM):c.4238A>G (p.Asp1413Gly)

Gene: ATM (ATM serine/threonine kinase; plus strand). Cytogenetic location: 11q22.3.
Variant type: single nucleotide variant.
Coding change: c.4238A>G on transcript NM_000051.4 (MANE Select); coding-DNA position 4238, A replaced by G.
Protein change: p.Asp1413Gly; replaces aspartic acid 1413 with glycine.
Molecular consequence: missense variant.
Genome position (GRCh38, 1-based): chr11:108,289,603, A>G. VCF-style: chr11-108289603-A-G. GRCh37 (hg19) VCF-style: chr11-108160330-A-G.
Other names: c.4238A>G, p.Asp1413Gly (NM_001351834.2); short protein forms D1413G.
Identifiers: ClinVar variation 921551 (VCV000921551.4), dbSNP rs2082669585, ClinGen allele CA382530925.

ClinVar aggregate classification (germline): Uncertain significance. Review status: criteria provided, multiple submitters, no conflicts (2 of 4 stars). 2 submissions from 2 submitters: Uncertain significance (2). Last evaluated 2026-05-28.

Conditions:
Hereditary cancer-predisposing syndrome. Also called: Hereditary Cancer Syndrome; Neoplastic Syndromes, Hereditary; Tumor predisposition; Hereditary neoplastic syndrome. Identifiers: Orphanet 140162, MedGen C0027672, MeSH D009386, MONDO:0015356.

Submissions (2):

Ambry Genetics
Classification: Uncertain significance for Hereditary cancer-predisposing syndrome. Last evaluated: 2026-05-28. Review status: criteria provided, single submitter. Criteria: Ambry Variant Classification Scheme 2023. Collection method: clinical testing. Allele origin: germline.
Comment: The p.D1413G variant (also known as c.4238A>G), located in coding exon 28 of the ATM gene, results from an A to G substitution at nucleotide position 4238. The aspartic acid at codon 1413 is replaced by glycine, an amino acid with similar properties. In an assay testing ATM function, this variant showed a functionally normal result (Lee KS et al. Cell, 2025 Sep;188:5081-5099.e27). This amino acid position is highly conserved in available vertebrate species. In addition, the in silico prediction for this alteration is inconclusive. Based on the available evidence, the clinical significance of this variant remains unclear.

Color Diagnostics, LLC DBA Color Health
Classification: Uncertain significance for Hereditary cancer-predisposing syndrome. Last evaluated: 2020-02-03. Review status: criteria provided, single submitter. Criteria: ACMG Guidelines, 2015. Collection method: clinical testing. Allele origin: germline.
Comment: This missense variant replaces aspartic acid with glycine at codon 1413 of the ATM protein. Computational prediction suggests that this variant may not impact protein structure and function (internally defined REVEL score threshold <= 0.5, PMID: 27666373). Splice site prediction tools suggest that this variant may not impact RNA splicing. To our knowledge, functional studies have not been performed for this variant. This variant has not been reported in individuals affected with hereditary cancer in the literature. This variant has not been identified in the general population by the Genome Aggregation Database (gnomAD). The available evidence is insufficient to determine the role of this variant in disease conclusively. Therefore, this variant is classified as a Variant of Uncertain Significance.

Literature cited by the submitters: PubMed 40580951 (cited by Ambry Genetics).